The following is an entry in ClinVar:

NM_005862.3(STAG1):c.1259T>G (p.Val420Gly)

Gene: STAG1 (STAG1 cohesin complex component; minus strand). Cytogenetic location: 3q22.3.
Variant type: single nucleotide variant.
Coding change: c.1259T>G on transcript NM_005862.3 (MANE Select); coding-DNA position 1259, T replaced by G.
Protein change: p.Val420Gly; replaces valine 420 with glycine.
Molecular consequence: missense variant.
Genome position (GRCh38, 1-based): chr3:136,464,935, A>C on the plus strand (T>G on the coding strand, the complement: STAG1 is on the minus strand). VCF-style: chr3-136464935-A-C. GRCh37 (hg19) VCF-style: chr3-136183777-A-C.
Other names: short protein forms V420G.
Identifiers: ClinVar variation 2108992 (VCV002108992.4), dbSNP rs2530623439, ClinGen allele CA354650798.

ClinVar aggregate classification (germline): Uncertain significance (1 of 4 stars; one submission).

Submission:

Labcorp Genetics (formerly Invitae), Labcorp
Classification: Uncertain significance. Last evaluated: 2022-08-05. Review status: criteria provided, single submitter. Criteria: Invitae Variant Classification Sherloc (09022015). Collection method: clinical testing. Allele origin: germline.
Comment: In summary, the available evidence is currently insufficient to determine the role of this variant in disease. Therefore, it has been classified as a Variant of Uncertain Significance. Advanced modeling of protein sequence and biophysical properties (such as structural, functional, and spatial information, amino acid conservation, physicochemical variation, residue mobility, and thermodynamic stability) performed at Invitae indicates that this missense variant is expected to disrupt STAG1 protein function. This variant has not been reported in the literature in individuals affected with STAG1-related conditions. This variant is not present in population databases (gnomAD no frequency). This sequence change replaces valine, which is neutral and non-polar, with glycine, which is neutral and non-polar, at codon 420 of the STAG1 protein (p.Val420Gly).